The following is an entry in ClinVar:

ClinVar aggregate classification (germline): Uncertain significance. Review status: criteria provided, multiple submitters, no conflicts (2 of 4 stars). 2 submissions from 2 submitters: Uncertain significance (2). Last evaluated 2024-03-14.

Conditions:
Hereditary motor and sensory neuropathy, Okinawa type (HMSNO). Also called: HEREDITARY MOTOR AND SENSORY NEUROPATHY, PROXIMAL TYPE. Identifiers: Orphanet 90117, MedGen C1858338, MONDO:0011468, OMIM 604484.
Hereditary spastic paraplegia 57. Also called: Spastic paraplegia 57, autosomal recessive. Identifiers: Orphanet 431329, MedGen C3714897, MONDO:0014295, OMIM 615658.

Submissions (2):

Genomic Medicine Center of Excellence, King Faisal Specialist Hospital and Research Centre
Classification: Uncertain significance for Hereditary motor and sensory neuropathy, Okinawa type. Last evaluated: 2024-03-14. Review status: criteria provided, single submitter. Criteria: ACMG Guidelines, 2015. Collection method: clinical testing. Allele origin: germline.

Baylor Genetics
Classification: Uncertain significance for Hereditary spastic paraplegia 57. Last evaluated: 2020-06-03. Review status: criteria provided, single submitter. Criteria: ACMG Guidelines, 2015. Collection method: clinical testing. Allele origin: unknown. Affected: yes.
Comment: This variant was determined to be of uncertain significance according to ACMG Guidelines, 2015 [PMID:25741868].

NM_006070.6(TFG):c.320G>C (p.Arg107Pro)

Gene: TFG (trafficking from ER to golgi regulator; plus strand). Cytogenetic location: 3q12.2.
Variant type: single nucleotide variant.
Coding change: c.320G>C on transcript NM_006070.6 (MANE Select); coding-DNA position 320, G replaced by C.
Protein change: p.Arg107Pro; replaces arginine 107 with proline.
Molecular consequence: missense variant.
Genome position (GRCh38, 1-based): chr3:100,728,763, G>C. VCF-style: chr3-100728763-G-C. GRCh37 (hg19) VCF-style: chr3-100447607-G-C.
Other names: c.320G>C, p.Arg107Pro (NM_001007565.2, NM_001195478.2, NM_001195479.2); short protein forms R107P.
Identifiers: ClinVar variation 1030071 (VCV001030071.2), dbSNP rs373307369, ClinGen allele CA353842405.